The following is an entry in ClinVar:

NM_001127208.3(TET2):c.3812dup (p.Cys1271fs)

Genes: TET2 (tet methylcytosine dioxygenase 2; plus strand), TET2-AS1 (TET2 antisense RNA 1; minus strand). Cytogenetic location: 4q24.
Variant type: Duplication.
Coding change: c.3812dup on transcript NM_001127208.3 (MANE Select); coding-DNA position 3812, one base duplicated (G; older notation c.3812dupG).
Protein change: p.Cys1271fs; shifts the reading frame from cysteine 1271.
Molecular consequence: frameshift variant.
Genome position (GRCh38, 1-based): chr4:105,259,627, G duplicated. VCF-style (leftmost placement, unchanged base first): chr4-105259626-T-TG. GRCh37 (hg19) VCF-style: chr4-106180783-T-TG.
Other names: short protein forms C1271fs.
Identifiers: ClinVar variation 3013093 (VCV003013093.3), dbSNP rs755283040, ClinGen allele CA3032145.

ClinVar aggregate classification (germline): Pathogenic (1 of 4 stars; one submission).

Allele frequency attached by ClinVar (database versions not stated): gnomAD exomes 0.00001; gnomAD 0.00003.

Submission:

Labcorp Genetics (formerly Invitae), Labcorp
Classification: Pathogenic. Last evaluated: 2024-06-10. Review status: criteria provided, single submitter. Criteria: Invitae Variant Classification Sherloc (09022015). Collection method: clinical testing. Allele origin: germline.
Comment: This sequence change creates a premature translational stop signal (p.Cys1271Trpfs*29) in the TET2 gene. It is expected to result in an absent or disrupted protein product. Loss-of-function variants in TET2 are known to be pathogenic (PMID: 36066697). The frequency data for this variant in the population databases is considered unreliable, as metrics indicate poor data quality at this position in the gnomAD database. This variant has not been reported in the literature in individuals affected with TET2-related conditions. For these reasons, this variant has been classified as Pathogenic.

Literature cited by the submitters: PubMed 36066697.